The following is an entry in ClinVar:

NM_001286445.3(RIPOR2):c.13G>T (p.Asp5Tyr)

Gene: RIPOR2 (RHO family interacting cell polarization regulator 2; minus strand). Cytogenetic location: 6p22.3.
Variant type: single nucleotide variant.
Coding change: c.13G>T on transcript NM_001286445.3 (MANE Select); coding-DNA position 13, G replaced by T.
Protein change: p.Asp5Tyr; replaces aspartic acid 5 with tyrosine.
Molecular consequence: missense variant. On other transcripts: intron variant (1).
Genome position (GRCh38, 1-based): chr6:24,935,886, C>A on the plus strand (G>T on the coding strand, the complement: RIPOR2 is on the minus strand). VCF-style: chr6-24935886-C-A. GRCh37 (hg19) VCF-style: chr6-24936114-C-A.
Other names: c.77-60069G>T (NM_001286446.3); short protein forms D5Y.
Identifiers: ClinVar variation 4533435 (VCV004533435.6).
Genomic context (GRCh38, chr6:24,935,886, plus strand): 5'-AGATGCATTTACCTTCACCAAAAACATCATCCTCTTCATCGACCAGGAGCTCCTCAGCAT[C>A]AAAAAACTGCATCTTGGAGAGGACAGGCGCGAGAAGCAGCAGGCAGCAGCCCCGGCAGTC-3'
Protein context (NP_001273374.1, residues 1-15): MQFF[Asp5Tyr]AEELLVDEED

ClinVar aggregate classification (germline): Uncertain significance (1 of 4 stars; one submission).

gnomAD v4.1: 13 of 1,535,368 alleles (0.00085%); highest among the groups gnomAD compares: Non-Finnish European, 0.001%; no homozygotes.

Submission:

CeGaT Center for Human Genetics Tuebingen
Classification: Uncertain significance. Last evaluated: 2025-11-01. Review status: criteria provided, single submitter. Criteria: CeGaT Center For Human Genetics Tuebingen Variant Classification Criteria Version 2. Collection method: clinical testing. Allele origin: germline. Affected: yes. Observed: 1 variant allele.
Comment: RIPOR2: PM2, BP4